The following is an entry in ClinVar:

NM_007294.4(BRCA1):c.3540C>G (p.Ser1180Arg)

Genes: BRCA1 (BRCA1 DNA repair associated; minus strand), LOC126862571 (BRD4-independent group 4 enhancer GRCh37_chr17:41243136-41244335; plus strand). Cytogenetic location: 17q21.31.
Variant type: single nucleotide variant.
Coding change: c.3540C>G on transcript NM_007294.4 (MANE Select); coding-DNA position 3540, C replaced by G.
Protein change: p.Ser1180Arg; replaces serine 1180 with arginine.
Molecular consequence: missense variant. On other transcripts: intron variant (135).
Genome position (GRCh38, 1-based): chr17:43,091,991, G>C on the plus strand (C>G on the coding strand, the complement: BRCA1 is on the minus strand). VCF-style: chr17-43091991-G-C. GRCh37 (hg19) VCF-style: chr17-41244008-G-C.
Other names: c.3327C>G, p.Ser1109Arg (NM_001407571.1, NM_001407853.1, NM_001407894.1 and 9 more transcripts); c.3540C>G, p.Ser1180Arg (NM_001407581.1, NM_001407582.1, NM_001407583.1 and 30 more transcripts); c.3537C>G, p.Ser1179Arg (NM_001407587.1, NM_001407590.1, NM_001407591.1 and 22 more transcripts); c.3531C>G, p.Ser1177Arg (NM_001407646.1, NM_001407647.1); c.3417C>G, p.Ser1139Arg (NM_001407648.1, NM_001407664.1, NM_001407665.1 and 19 more transcripts); c.3414C>G, p.Ser1138Arg (NM_001407649.1, NM_001407670.1, NM_001407671.1 and 11 more transcripts); c.3462C>G, p.Ser1154Arg (NM_001407653.1, NM_001407654.1, NM_001407655.1 and 4 more transcripts); c.3459C>G, p.Ser1153Arg (NM_001407659.1, NM_001407660.1, NM_001407661.1 and 1 more transcripts); and 41 more; short protein forms S1180R, S1133R, S1069R, S1091R, S1109R, S1112R, S1113R, S1132R.
Identifiers: ClinVar variation 846030 (VCV000846030.14), dbSNP rs928545955, ClinGen allele CA10594885.

ClinVar aggregate classification (germline): Conflicting classifications of pathogenicity. Review status: criteria provided, conflicting classifications (1 of 4 stars). 3 submissions from 3 submitters: Uncertain significance (2); Likely benign (1). Last evaluated 2026-06-15.

Conditions:
Hereditary breast ovarian cancer syndrome. Also called: Hereditary breast and ovarian cancer; Hereditary breast and ovarian cancer syndrome (HBOC); Hereditary breast and/or ovarian cancer syndrome; Hereditary breast and ovarian cancer syndrome; Breast and ovarian cancer; BRCA1- and BRCA2-Associated Hereditary Breast and Ovarian Cancer. Identifiers: Orphanet 145, MedGen C0677776, MeSH D061325, MONDO:0003582. Disease mechanism: loss of function.
Hereditary cancer-predisposing syndrome. Also called: Tumor predisposition; Hereditary neoplastic syndrome; Neoplastic Syndromes, Hereditary; Hereditary Cancer Syndrome. Identifiers: Orphanet 140162, MedGen C0027672, MeSH D009386, MONDO:0015356.

Submissions (3):

Ambry Genetics
Classification: Uncertain significance for Hereditary cancer-predisposing syndrome. Last evaluated: 2026-06-15. Review status: criteria provided, single submitter. Criteria: Ambry Variant Classification Scheme 2023. Collection method: clinical testing. Allele origin: germline.
Comment: The p.S1180R variant (also known as c.3540C>G), located in coding exon 9 of the BRCA1 gene, results from a C to G substitution at nucleotide position 3540. The serine at codon 1180 is replaced by arginine, an amino acid with dissimilar properties. This amino acid position is not well conserved in available vertebrate species. In addition, the in silico prediction for this alteration is inconclusive. Based on the available evidence, the clinical significance of this variant remains unclear.

University of Washington Department of Laboratory Medicine, University of Washington
Classification: Likely benign for Hereditary cancer-predisposing syndrome. Last evaluated: 2023-03-23. Review status: criteria provided, single submitter. Criteria: Dines et al. (Genet Med. 2020). Collection method: curation. Allele origin: germline.
Comment: Missense variant in a coldspot region where missense variants are very unlikely to be pathogenic (PMID:31911673).

BRCA1 coldspot (exon 11 using historical exon numbering). Reclassification based on statistical prior probability

Labcorp Genetics (formerly Invitae), Labcorp
Classification: Uncertain significance for Hereditary breast ovarian cancer syndrome. Last evaluated: 2019-01-15. Review status: criteria provided, single submitter. Criteria: Invitae Variant Classification Sherloc (09022015). Collection method: clinical testing. Allele origin: germline.
Comment: In summary, the available evidence is currently insufficient to determine the role of this variant in disease. Therefore, it has been classified as a Variant of Uncertain Significance. Algorithms developed to predict the effect of missense changes on protein structure and function are either unavailable or do not agree on the potential impact of this missense change (SIFT: "Tolerated"; PolyPhen-2: "Possibly Damaging"; Align-GVGD: "Class C0"). This variant has not been reported in the literature in individuals with BRCA1-related conditions. This variant is not present in population databases (ExAC no frequency). This sequence change replaces serine with arginine at codon 1180 of the BRCA1 protein (p.Ser1180Arg). The serine residue is moderately conserved and there is a moderate physicochemical difference between serine and arginine.